The following is an entry in ClinVar:

NM_001374736.1(DST):c.4929+18G>A

Gene: DST (dystonin; minus strand). Cytogenetic location: 6p12.1.
Variant type: single nucleotide variant.
Coding change: c.4929+18G>A on transcript NM_001374736.1 (MANE Select); 18 bases into the intron after coding-DNA position 4929, G replaced by A.
Molecular consequence: intron variant.
Genome position (GRCh38, 1-based): chr6:56,624,512, C>T on the plus strand (G>A on the coding strand, the complement: DST is on the minus strand). VCF-style: chr6-56624512-C-T. GRCh37 (hg19) VCF-style: chr6-56489310-C-T.
Other names: c.4830+18G>A (NM_001144769.5); c.4929+18G>A (NM_001374722.1); c.4956+18G>A (NM_001374734.1); c.4416+18G>A (NM_001144770.2); c.4296+18G>A (NM_001374730.1, NM_001386100.1, NM_183380.4 and 1 more transcripts); c.3318+18G>A (NM_015548.5, NM_001723.7).
Identifiers: ClinVar variation 1575184 (VCV001575184.19), dbSNP rs374777175, ClinGen allele CA3870761.

ClinVar aggregate classification (germline): Likely benign. Review status: criteria provided, multiple submitters, no conflicts (2 of 4 stars). 3 submissions from 3 submitters: Likely benign (3). Last evaluated 2025-12-24.

Conditions:
Hereditary sensory and autonomic neuropathy type 6. Also called: HSAN VI; Neuropathy, hereditary sensory and autonomic, type VI. Identifiers: Orphanet 314381, MedGen C3539003, MONDO:0013839, OMIM 614653.
Epidermolysis bullosa simplex 3, localized or generalized intermediate, with BP230 deficiency (EBS3). Also called: Epidermolysis bullosa simplex, autosomal recessive 2; Epidermolysis bullosa simplex due to BP230 deficiency. Identifiers: Orphanet 412181, MedGen C3809470, MONDO:0014180, OMIM 615425.

Allele frequency attached by ClinVar (database versions not stated): ExAC 0.00014; 1000 Genomes Project 30x 0.00016; 1000 Genomes Project 0.00020; gnomAD exomes 0.00021 and 0.00027; gnomAD 0.00036 and 0.00037; ESP Exome Variant Server 0.00038; TOPMed 0.00045.
gnomAD v4.1: 420 of 1,528,744 alleles (0.027%); highest among the groups gnomAD compares: Admixed American, 0.1%; no homozygotes.

Submissions (3):

Labcorp Genetics (formerly Invitae), Labcorp
Classification: Likely benign for Epidermolysis bullosa simplex 3, localized or generalized intermediate, with BP230 deficiency; Hereditary sensory and autonomic neuropathy type 6. Last evaluated: 2025-12-24. Review status: criteria provided, single submitter. Criteria: Invitae Variant Classification Sherloc (09022015). Collection method: clinical testing. Allele origin: germline.

CeGaT Center for Human Genetics Tuebingen
Classification: Likely benign. Last evaluated: 2025-04-01. Review status: criteria provided, single submitter. Criteria: CeGaT Center For Human Genetics Tuebingen Variant Classification Criteria Version 2. Collection method: clinical testing. Allele origin: germline. Affected: yes. Observed: 1 variant allele.
Comment: DST: BP4, BP7

Blueprint Genetics
Classification: Likely benign. Last evaluated: 2024-02-16. Review status: criteria provided, single submitter. Criteria: ACMG Guidelines, 2015. Collection method: clinical testing. Allele origin: germline.